The following is an entry in ClinVar:

ClinVar aggregate classification (germline): Uncertain significance (1 of 4 stars; one submission).

Allele frequency attached by ClinVar (database versions not stated): gnomAD exomes 0.00001; ExAC 0.00002.
gnomAD v4.1: 12 of 1,611,414 alleles (0.00074%); highest among the groups gnomAD compares: South Asian, 0.013%; no homozygotes.

Submission:

Labcorp Genetics (formerly Invitae), Labcorp
Classification: Uncertain significance. Last evaluated: 2022-03-12. Review status: criteria provided, single submitter. Criteria: Invitae Variant Classification Sherloc (09022015). Collection method: clinical testing. Allele origin: germline.
Comment: In summary, the available evidence is currently insufficient to determine the role of this variant in disease. Therefore, it has been classified as a Variant of Uncertain Significance. Algorithms developed to predict the effect of missense changes on protein structure and function output the following: SIFT: "Deleterious"; PolyPhen-2: "Not Available"; Align-GVGD: "Class C0". The histidine amino acid residue is found in multiple mammalian species, which suggests that this missense change does not adversely affect protein function. This variant has not been reported in the literature in individuals affected with PCLO-related conditions. This variant is present in population databases (rs765390976, gnomAD 0.01%). This sequence change replaces glutamine, which is neutral and polar, with histidine, which is basic and polar, at codon 1193 of the PCLO protein (p.Gln1193His).

NM_033026.6(PCLO):c.3579A>T (p.Gln1193His)

Gene: PCLO (piccolo presynaptic cytomatrix protein; minus strand). Cytogenetic location: 7q21.11.
Variant type: single nucleotide variant.
Coding change: c.3579A>T on transcript NM_033026.6 (MANE Select); coding-DNA position 3579, A replaced by T.
Protein change: p.Gln1193His; replaces glutamine 1193 with histidine.
Molecular consequence: missense variant.
Genome position (GRCh38, 1-based): chr7:82,966,209, T>A on the plus strand (A>T on the coding strand, the complement: PCLO is on the minus strand). VCF-style: chr7-82966209-T-A. GRCh37 (hg19) VCF-style: chr7-82595525-T-A.
Other names: c.3579A>T, p.Gln1193His (NM_014510.3); short protein forms Q1193H.
Identifiers: ClinVar variation 2173234 (VCV002173234.4), dbSNP rs765390976, ClinGen allele CA4321010.